The following is an entry in ClinVar:

ClinVar aggregate classification (germline): Benign/Likely benign. Review status: criteria provided, multiple submitters, no conflicts (2 of 4 stars). 4 submissions from 4 submitters: Benign (3); Likely benign (1). Last evaluated 2024-11-26.

Conditions:
Platelet-type bleeding disorder 9 (BDPLT9). Also called: GLYCOPROTEIN Ia DEFICIENCY; GP Ia DEFICIENCY; COLLAGEN PLATELET RECEPTOR DEFICIENCY. Identifiers: Orphanet 73271, Orphanet 98886, MedGen C3280114, MONDO:0013622, OMIM 614200.

Allele frequency attached by ClinVar (database versions not stated): 1000 Genomes Project 30x 0.10415; 1000 Genomes Project 0.10423; gnomAD 0.11183 and 0.11398; TOPMed 0.11695; ESP Exome Variant Server 0.12533.
gnomAD v4.1: 145,337 of 1,611,408 alleles (9%); highest among the groups gnomAD compares: African/African-American, 19%; 7,354 homozygotes.

Submissions (4):

Blueprint Genetics
Classification: Likely benign. Last evaluated: 2024-11-26. Review status: criteria provided, single submitter. Criteria: ACMG Guidelines, 2015. Collection method: clinical testing. Allele origin: germline.

GeneDx
Classification: Benign. Last evaluated: 2021-06-10. Review status: criteria provided, single submitter. Criteria: GeneDx Variant Classification Process June 2021. Collection method: clinical testing. Allele origin: germline. Affected: yes.

Illumina Laboratory Services, Illumina
Classification: Benign for Platelet-type bleeding disorder 9. Last evaluated: 2018-01-12. Review status: criteria provided, single submitter. Criteria: ICSL Variant Classification Criteria 13 December 2019. Collection method: clinical testing. Allele origin: germline.
Comment: This variant was observed in the ICSL laboratory as part of a predisposition screen in an ostensibly healthy population. It had not been previously curated by ICSL or reported in the Human Gene Mutation Database (HGMD: prior to June 1st, 2018), and was therefore a candidate for classification through an automated scoring system. Utilizing variant allele frequency, disease prevalence and penetrance estimates, and inheritance mode, an automated score was calculated to assess if this variant is too frequent to cause the disease. Based on the score and internal cut-off values, a variant classified as benign is not then subjected to further curation. The score for this variant resulted in a classification of benign for this disease.

Breakthrough Genomics
Classification: Benign. Review status: criteria provided, single submitter. Criteria: ACMG Guidelines, 2015. Collection method: not provided. Allele origin: germline. Inheritance: Unknown mechanism. Affected: yes.

NM_002203.4(ITGA2):c.2484G>A (p.Thr828=)

Gene: ITGA2 (integrin subunit alpha 2; plus strand). Cytogenetic location: 5q11.2.
Variant type: single nucleotide variant.
Coding change: c.2484G>A on transcript NM_002203.4 (MANE Select); coding-DNA position 2484, G replaced by A.
Protein change: p.Thr828=; no amino-acid change (threonine 828 retained).
Molecular consequence: synonymous variant. On other transcripts: non-coding transcript variant (4).
Genome position (GRCh38, 1-based): chr5:53,073,172, G>A. VCF-style: chr5-53073172-G-A. GRCh37 (hg19) VCF-style: chr5-52369002-G-A.
Identifiers: ClinVar variation 353768 (VCV000353768.10), dbSNP rs3212327, ClinGen allele CA3263207.